The following is an entry in ClinVar:

ClinVar aggregate classification (germline): Likely benign (1 of 4 stars; one submission).

Submission:

CeGaT Center for Human Genetics Tuebingen
Classification: Likely benign. Last evaluated: 2022-07-01. Review status: criteria provided, single submitter. Criteria: CeGaT Center For Human Genetics Tuebingen Variant Classification Criteria Version 2. Collection method: clinical testing. Allele origin: germline. Affected: yes. Observed: 1 variant allele.
Comment: TRIP12: BP4, BS2

NM_001348323.3(TRIP12):c.1133+8_1133+11del

Gene: TRIP12 (thyroid hormone receptor interactor 12; minus strand). Cytogenetic location: 2q36.3.
Variant type: Deletion.
Coding change: c.1133+8_1133+11del on transcript NM_001348323.3 (MANE Select); bases 8 to 11 of the intron after coding-DNA position 1133, 4 bases deleted (GTTT; older notation c.1133+8_1133+11delGTTT).
Molecular consequence: intron variant.
Genome position (GRCh38, 1-based): chr2:229,840,811-229,840,814, AAAC deleted on the plus strand (GTTT on the coding strand, the reverse complement: TRIP12 is on the minus strand); deleting any 4 consecutive bases within chr2:229,840,811-229,840,817 gives the same sequence; the c. name uses the placement nearest the transcript's 3' end. VCF-style (leftmost placement, unchanged base first): chr2-229840810-AAAAC-A. GRCh37 (hg19) VCF-style: chr2-230705526-AAAAC-A.
Other names: c.1133+8_1133+11del (NM_001348320.2, NM_001348327.2, NM_001348330.2 and 13 more transcripts); c.1046+8_1046+11del (NM_001348334.1, NM_001348332.1); c.99-3830_99-3827del (NM_001284216.2); c.1007+8_1007+11del (NM_004238.3, NM_001348331.1, NM_001348317.1 and 3 more transcripts).
Identifiers: ClinVar variation 2651986 (VCV002651986.24), dbSNP rs753647717, ClinGen allele CA2153374.